The following is an entry in ClinVar:

NM_001368067.1(LDB3):c.332A>G (p.Asn111Ser)

Genes: LDB3 (LIM domain binding 3; plus strand), LOC110121486 (VISTA enhancer hs2143; plus strand). Cytogenetic location: 10q23.2.
Variant type: single nucleotide variant.
Coding change: c.332A>G on transcript NM_001368067.1 (MANE Plus Clinical); coding-DNA position 332, A replaced by G.
Protein change: p.Asn111Ser; replaces asparagine 111 with serine.
Molecular consequence: missense variant. On other transcripts: intron variant (7).
Genome position (GRCh38, 1-based): chr10:86,685,688, A>G. VCF-style: chr10-86685688-A-G. GRCh37 (hg19) VCF-style: chr10-88445445-A-G.
Other names: c.332A>G, p.Asn111Ser (NM_001080116.1, NM_001080114.2, NM_001368066.1 and 1 more transcripts); c.689+3885A>G (NM_001368064.1, NM_001368063.1, NM_007078.3 and 2 more transcripts); c.690-1381A>G (NM_001171610.2, NM_001171611.2); short protein forms N111S.
Identifiers: ClinVar variation 951123 (VCV000951123.10), dbSNP rs1845427971, ClinGen allele CA377440931.
Genomic context (GRCh38, chr10:86,685,688, plus strand): 5'-GTGGAGCCTCTCTCTGACCACCCTGTCTTCTTTGCCCTTTTCCTCCCCAGGTGGTAGTCA[A>G]CTCTCCAGCCAAGTTAGTATCAAAGGACAGCATGTGTGTGCGCTTGCGTGCCAGCCCCAG-3'
Protein context (NP_001354996.1, residues 101-121): PVIPHQKVVV[Asn111Ser]SPANADYQER

ClinVar aggregate classification (germline): Uncertain significance (1 of 4 stars; one submission).

Conditions:
Myofibrillar myopathy 4. Also called: Zaspopathy (type). Identifiers: Orphanet 98912, MedGen C4721886, MONDO:0012277, OMIM 609452.

Allele frequency attached by ClinVar (database versions not stated): gnomAD exomes below 0.00001.
gnomAD v4.1: 2 of 1,613,598 alleles (0.00012%); highest among the groups gnomAD compares: Non-Finnish European, 0.00017%; no homozygotes.

Submission:

Labcorp Genetics (formerly Invitae), Labcorp
Classification: Uncertain significance for Myofibrillar myopathy 4. Last evaluated: 2019-07-11. Review status: criteria provided, single submitter. Criteria: Invitae Variant Classification Sherloc (09022015). Collection method: clinical testing. Allele origin: germline.
Comment: In summary, the available evidence is currently insufficient to determine the role of this variant in disease. Therefore, it has been classified as a Variant of Uncertain Significance. Algorithms developed to predict the effect of missense changes on protein structure and function (SIFT, PolyPhen-2, Align-GVGD) all suggest that this variant is likely to be tolerated, but these predictions have not been confirmed by published functional studies and their clinical significance is uncertain. This variant has not been reported in the literature in individuals with LDB3-related conditions. This variant is not present in population databases (ExAC no frequency). This sequence change replaces asparagine with serine at codon 111 of the LDB3 protein (p.Asn111Ser). The asparagine residue is weakly conserved and there is a small physicochemical difference between asparagine and serine.